The following is an entry in ClinVar:

ClinVar aggregate classification (germline): Uncertain significance (1 of 4 stars; one submission).

Conditions:
Charcot-Marie-Tooth disease type 4. Also called: Charcot-Marie-Tooth, Type 4; Charcot-Marie-Tooth disease, type IV. Identifiers: Orphanet 64749, MedGen C4082197, MONDO:0018995.

Allele frequency attached by ClinVar (database versions not stated): TOPMed 0.00001.
gnomAD v4.1: 3 of 1,613,968 alleles (0.00019%); highest among the groups gnomAD compares: South Asian, 0.0011%; no homozygotes.

Submission:

Labcorp Genetics (formerly Invitae), Labcorp
Classification: Uncertain significance for Charcot-Marie-Tooth disease type 4. Last evaluated: 2021-09-24. Review status: criteria provided, single submitter. Criteria: Invitae Variant Classification Sherloc (09022015). Collection method: clinical testing. Allele origin: germline.
Comment: This variant has not been reported in the literature in individuals affected with PRX-related conditions. This variant is not present in population databases (ExAC no frequency). This sequence change replaces proline with leucine at codon 575 of the PRX protein (p.Pro575Leu). The proline residue is highly conserved and there is a moderate physicochemical difference between proline and leucine. Algorithms developed to predict the effect of missense changes on protein structure and function are either unavailable or do not agree on the potential impact of this missense change (SIFT: "Tolerated"; PolyPhen-2: "Possibly Damaging"; Align-GVGD: "Class C0"). In summary, the available evidence is currently insufficient to determine the role of this variant in disease. Therefore, it has been classified as a Variant of Uncertain Significance.

NM_181882.3(PRX):c.1724C>T (p.Pro575Leu)

Gene: PRX (periaxin; minus strand). Cytogenetic location: 19q13.2.
Variant type: single nucleotide variant.
Coding change: c.1724C>T on transcript NM_181882.3 (MANE Select); coding-DNA position 1724, C replaced by T.
Protein change: p.Pro575Leu; replaces proline 575 with leucine.
Molecular consequence: missense variant. On other transcripts: 3 prime UTR variant (1).
Genome position (GRCh38, 1-based): chr19:40,396,628, G>A on the plus strand (C>T on the coding strand, the complement: PRX is on the minus strand). VCF-style: chr19-40396628-G-A. GRCh37 (hg19) VCF-style: chr19-40902535-G-A.
Other names: c.*1929C>T (NM_020956.2); short protein forms P575L.
Identifiers: ClinVar variation 1372731 (VCV001372731.6), dbSNP rs201829675, ClinGen allele CA308420323.